The following is an entry in ClinVar:

NM_005751.5(AKAP9):c.5176A>G (p.Lys1726Glu)

Gene: AKAP9 (A-kinase anchoring protein 9; plus strand). Cytogenetic location: 7q21.2.
Variant type: single nucleotide variant.
Coding change: c.5176A>G on transcript NM_005751.5 (MANE Select); coding-DNA position 5176, A replaced by G.
Protein change: p.Lys1726Glu; replaces lysine 1726 with glutamic acid.
Molecular consequence: missense variant.
Genome position (GRCh38, 1-based): chr7:92,045,021, A>G. VCF-style: chr7-92045021-A-G. GRCh37 (hg19) VCF-style: chr7-91674335-A-G.
Other names: c.5176A>G, p.Lys1726Glu (NM_147185.3); short protein forms K1726E.
Identifiers: ClinVar variation 967047 (VCV000967047.9), dbSNP rs779330917, ClinGen allele CA4336749.

ClinVar aggregate classification (germline): Uncertain significance (1 of 4 stars; one submission).

Conditions:
Long QT syndrome (LQTS). Identifiers: MedGen C0023976, MeSH D008133, MONDO:0002442. Disease mechanism: loss of function. Inheritance: Various modes of inheritance.

Allele frequency attached by ClinVar (database versions not stated): gnomAD exomes below 0.00001; ExAC 0.00001.
gnomAD v4.1: 1 of 1,611,926 alleles (0.000062%); highest among the groups gnomAD compares: Non-Finnish European, 0.000085%; no homozygotes.

Submission:

Labcorp Genetics (formerly Invitae), Labcorp
Classification: Uncertain significance for Long QT syndrome. Last evaluated: 2021-06-17. Review status: criteria provided, single submitter. Criteria: Invitae Variant Classification Sherloc (09022015). Collection method: clinical testing. Allele origin: germline.
Comment: In summary, the available evidence is currently insufficient to determine the role of this variant in disease. Therefore, it has been classified as a Variant of Uncertain Significance. Algorithms developed to predict the effect of missense changes on protein structure and function are either unavailable or do not agree on the potential impact of this missense change (SIFT: "Deleterious"; PolyPhen-2: "Probably Damaging"; Align-GVGD: "Class C0"). This variant has not been reported in the literature in individuals with AKAP9-related conditions. This variant is present in population databases (rs779330917, ExAC 0.002%). This sequence change replaces lysine with glutamic acid at codon 1726 of the AKAP9 protein (p.Lys1726Glu). The lysine residue is moderately conserved and there is a small physicochemical difference between lysine and glutamic acid.